The following is an entry in ClinVar:

NM_001382430.1(AKT1):c.1099C>A (p.Arg367Ser)

Gene: AKT1 (AKT serine/threonine kinase 1; minus strand). Cytogenetic location: 14q32.33.
Variant type: single nucleotide variant.
Coding change: c.1099C>A on transcript NM_001382430.1 (MANE Select); coding-DNA position 1099, C replaced by A.
Protein change: p.Arg367Ser; replaces arginine 367 with serine.
Molecular consequence: missense variant.
Genome position (GRCh38, 1-based): chr14:104,772,951, G>T on the plus strand (C>A on the coding strand, the complement: AKT1 is on the minus strand). VCF-style: chr14-104772951-G-T. GRCh37 (hg19) VCF-style: chr14-105239288-G-T.
Other names: c.1099C>A, p.Arg367Ser (NM_001014431.2, NM_001014432.2, NM_001382431.1 and 3 more transcripts); short protein forms R367S.
Identifiers: ClinVar variation 540890 (VCV000540890.8), dbSNP rs762705090, ClinGen allele CA7374571.

ClinVar aggregate classification (germline): Uncertain significance (1 of 4 stars; one submission).

Conditions:
Cowden syndrome 6 (CWS6). Identifiers: Orphanet 201, MedGen C3554519, MONDO:0014048, OMIM 615109.

gnomAD v4.1: 25 of 1,614,068 alleles (0.0015%); highest among the groups gnomAD compares: South Asian, 0.027%; 1 homozygote.

Submission:

Labcorp Genetics (formerly Invitae), Labcorp
Classification: Uncertain significance for Cowden syndrome 6. Last evaluated: 2017-08-20. Review status: criteria provided, single submitter. Criteria: Invitae Variant Classification Sherloc (09022015). Collection method: clinical testing. Allele origin: germline.
Comment: This sequence change replaces arginine with serine at codon 367 of the AKT1 protein (p.Arg367Ser). The arginine residue is moderately conserved and there is a moderate physicochemical difference between arginine and serine. In summary, the available evidence is currently insufficient to determine the role of this variant in disease. Therefore, it has been classified as a Variant of Uncertain Significance. Algorithms developed to predict the effect of missense changes on protein structure and function do not agree on the potential impact of this missense change (SIFT: "Deleterious"; PolyPhen-2: "Possibly Damaging"; Align-GVGD: "Class C0"). This variant has not been reported in the literature in individuals with AKT1-related disease. This variant is present in population databases (rs762705090, ExAC 0.05%), and has an allele count higher than expected for a pathogenic variant (PMID: 28166811).

Literature cited by the submitters: PubMed 28166811.